The following is an entry in ClinVar:

ClinVar aggregate classification (germline): Benign (1 of 4 stars; one submission).

Submission:

CeGaT Center for Human Genetics Tuebingen
Classification: Benign. Last evaluated: 2022-06-01. Review status: criteria provided, single submitter. Criteria: CeGaT Center For Human Genetics Tuebingen Variant Classification Criteria Version 2. Collection method: clinical testing. Allele origin: germline. Affected: yes. Observed: 1 variant allele.
Comment: PHACTR1: BS1, BS2

NM_030948.6(PHACTR1):c.1510-2265_1510-2264del

Genes: TBC1D7-LOC100130357 (TBC1D7-LOC100130357 readthrough; minus strand), PHACTR1 (phosphatase and actin regulator 1; plus strand), LOC100130357 (uncharacterized LOC100130357; minus strand). Cytogenetic location: 6p24.1.
Variant type: Microsatellite.
Coding change: c.1510-2265_1510-2264del on transcript NM_030948.6 (MANE Select); 2265 bases into the intron before coding-DNA position 1510 through 2264 bases into the intron before coding-DNA position 1510, 2 bases deleted (CT; older notation c.1510-2265_1510-2264delCT).
Molecular consequence: intron variant.
Genome position (GRCh38, 1-based): chr6:13,281,157-13,281,158, CT deleted; deleting any 2 consecutive bases within chr6:13,281,155-13,281,158 gives the same sequence; the c. name uses the placement nearest the transcript's 3' end. VCF-style (leftmost placement, unchanged base first): chr6-13281154-ACT-A. GRCh37 (hg19) VCF-style: chr6-13281386-ACT-A.
Other names: c.1510-2265_1510-2264del (NM_001242648.4, NM_001374581.2, NM_001322308.3 and 1 more transcripts); c.1717-2265_1717-2264del (NM_001322310.2); c.1441-2265_1441-2264del (NM_001322313.2); c.1234-2265_1234-2264del (NM_001322312.3, NM_001322311.2, NM_001374583.2); c.1720-2265_1720-2264del (NM_001322314.4); c.*40-13321_*40-13320del (NM_001318809.2).
Identifiers: ClinVar variation 1695149 (VCV001695149.31), dbSNP rs554372811, ClinGen allele CA134792488.